The following is an entry in ClinVar:

NM_006306.4(SMC1A):c.82A>G (p.Thr28Ala)

Gene: SMC1A (structural maintenance of chromosomes 1A; minus strand). Cytogenetic location: Xp11.22.
Variant type: single nucleotide variant.
Coding change: c.82A>G on transcript NM_006306.4 (MANE Select); coding-DNA position 82, A replaced by G.
Protein change: p.Thr28Ala; replaces threonine 28 with alanine.
Molecular consequence: missense variant. On other transcripts: 5 prime UTR variant (1).
Genome position (GRCh38, 1-based): chrX:53,422,519, T>C on the plus strand (A>G on the coding strand, the complement: SMC1A is on the minus strand). VCF-style: chrX-53422519-T-C. GRCh37 (hg19) VCF-style: chrX-53449468-T-C.
Other names: c.-131A>G (NM_001281463.1); short protein forms T28A.
Identifiers: ClinVar variation 3664859 (VCV003664859.2).

ClinVar aggregate classification (germline): Uncertain significance (1 of 4 stars; one submission).

Conditions:
Congenital muscular hypertrophy-cerebral syndrome (CDLS2). Also called: Cornelia de Lange syndrome 2; SMC1A-Related Cornelia de Lange Syndrome. Identifiers: Orphanet 199, MedGen C1802395, MONDO:0010370, OMIM 300590.

Submission:

Labcorp Genetics (formerly Invitae), Labcorp
Classification: Uncertain significance for Congenital muscular hypertrophy-cerebral syndrome. Last evaluated: 2024-09-06. Review status: criteria provided, single submitter. Criteria: Invitae Variant Classification Sherloc (09022015). Collection method: clinical testing. Allele origin: germline.
Comment: This sequence change replaces threonine, which is neutral and polar, with alanine, which is neutral and non-polar, at codon 28 of the SMC1A protein (p.Thr28Ala). This variant is not present in population databases (gnomAD no frequency). This variant has not been reported in the literature in individuals affected with SMC1A-related conditions. Invitae Evidence Modeling of protein sequence and biophysical properties (such as structural, functional, and spatial information, amino acid conservation, physicochemical variation, residue mobility, and thermodynamic stability) indicates that this missense variant is not expected to disrupt SMC1A protein function with a negative predictive value of 80%. In summary, the available evidence is currently insufficient to determine the role of this variant in disease. Therefore, it has been classified as a Variant of Uncertain Significance.